The following is an entry in ClinVar:

NM_014112.5(TRPS1):c.2879G>C (p.Arg960Thr)

Gene: TRPS1 (transcriptional repressor GATA binding 1; minus strand). Cytogenetic location: 8q23.3.
Variant type: single nucleotide variant.
Coding change: c.2879G>C on transcript NM_014112.5 (MANE Select); coding-DNA position 2879, G replaced by C.
Protein change: p.Arg960Thr; replaces arginine 960 with threonine.
Molecular consequence: missense variant.
Genome position (GRCh38, 1-based): chr8:115,415,029, C>G on the plus strand (G>C on the coding strand, the complement: TRPS1 is on the minus strand). VCF-style: chr8-115415029-C-G. GRCh37 (hg19) VCF-style: chr8-116427257-C-G.
Other names: c.2852G>C, p.Arg951Thr (NM_001282902.3); c.2858G>C, p.Arg953Thr (NM_001282903.3); c.2840G>C, p.Arg947Thr (NM_001330599.2); short protein forms R947T, R951T, R953T, R960T.
Identifiers: ClinVar variation 3758496 (VCV003758496.2).
Genomic context (GRCh38, chr8:115,415,029, plus strand): 5'-TGCTGTTTGTTGAGCTGCTCAGCCTGAAGTGCCTCTGGGTTAAGGCGCTTTCTTGTTCTC[C>G]TCCTAATAATCTGCTCACCGTTGTTTTGTTTAATGATGTTTAAAGGCCTGGGAGTCTGCA-3'
Protein context (NP_054831.2, residues 950-970): KQNNGEQIIR[Arg960Thr]RTRKRLNPEA

ClinVar aggregate classification (germline): Uncertain significance (1 of 4 stars; one submission).

Conditions:
Trichorhinophalangeal dysplasia type I (TRPS1). Also called: TRICHORHINOPHALANGEAL SYNDROME, TYPE I; TRPS I. Identifiers: Orphanet 77258, MedGen C0432233, MONDO:0008596, OMIM 190350.
Trichorhinophalangeal syndrome, type III (TRPS3). Also called: SUGIO-KAJII SYNDROME. Identifiers: Orphanet 77258, MedGen C1860823, OMIM 190351, MONDO:0008597.

Submission:

Labcorp Genetics (formerly Invitae), Labcorp
Classification: Uncertain significance for Trichorhinophalangeal syndrome, type III; Trichorhinophalangeal dysplasia type I. Last evaluated: 2025-01-06. Review status: criteria provided, single submitter. Criteria: Invitae Variant Classification Sherloc (09022015). Collection method: clinical testing. Allele origin: germline.
Comment: This sequence change replaces arginine, which is basic and polar, with threonine, which is neutral and polar, at codon 960 of the TRPS1 protein (p.Arg960Thr). This variant is not present in population databases (gnomAD no frequency). This variant has not been reported in the literature in individuals affected with TRPS1-related conditions. Invitae Evidence Modeling of protein sequence and biophysical properties (such as structural, functional, and spatial information, amino acid conservation, physicochemical variation, residue mobility, and thermodynamic stability) indicates that this missense variant is expected to disrupt TRPS1 protein function with a positive predictive value of 80%. In summary, the available evidence is currently insufficient to determine the role of this variant in disease. Therefore, it has been classified as a Variant of Uncertain Significance.